The following is an entry in ClinVar:

ClinVar aggregate classification (germline): Uncertain significance. Review status: criteria provided, multiple submitters, no conflicts (2 of 4 stars). 2 submissions from 2 submitters: Uncertain significance (2). Last evaluated 2025-12-31.

gnomAD v4.1: 5 of 1,614,198 alleles (0.00031%); highest among the groups gnomAD compares: Non-Finnish European, 0.00042%; no homozygotes.

Submissions (2):

Labcorp Genetics (formerly Invitae), Labcorp
Classification: Uncertain significance. Last evaluated: 2025-12-31. Review status: criteria provided, single submitter. Criteria: Invitae Variant Classification Sherloc (09022015). Collection method: clinical testing. Allele origin: germline.
Comment: This sequence change replaces glutamic acid, which is acidic and polar, with aspartic acid, which is acidic and polar, at codon 145 of the SRP72 protein (p.Glu145Asp). This variant is not present in population databases (gnomAD no frequency). This variant has not been reported in the literature in individuals affected with SRP72-related conditions. ClinVar contains an entry for this variant (Variation ID: 3367297). Invitae Evidence Modeling of protein sequence and biophysical properties (such as structural, functional, and spatial information, amino acid conservation, physicochemical variation, residue mobility, and thermodynamic stability) indicates that this missense variant is not expected to disrupt SRP72 protein function with a negative predictive value of 80%. In summary, the available evidence is currently insufficient to determine the role of this variant in disease. Therefore, it has been classified as a Variant of Uncertain Significance.

GeneDx
Classification: Uncertain significance. Last evaluated: 2023-12-28. Review status: criteria provided, single submitter. Criteria: GeneDx Variant Classification Process June 2021. Collection method: clinical testing. Allele origin: germline. Affected: yes.
Comment: Not observed at significant frequency in large population cohorts (gnomAD); In silico analysis supports that this missense variant does not alter protein structure/function; Has not been previously published as pathogenic or benign to our knowledge; This variant is associated with the following publications: (PMID: 28369529, 27899666)

NM_006947.4(SRP72):c.435G>C (p.Glu145Asp)

Gene: SRP72 (signal recognition particle 72; plus strand). Cytogenetic location: 4q12.
Variant type: single nucleotide variant.
Coding change: c.435G>C on transcript NM_006947.4 (MANE Select); coding-DNA position 435, G replaced by C.
Protein change: p.Glu145Asp; replaces glutamic acid 145 with aspartic acid.
Molecular consequence: missense variant. On other transcripts: non-coding transcript variant (1).
Genome position (GRCh38, 1-based): chr4:56,474,134, G>C. VCF-style: chr4-56474134-G-C. GRCh37 (hg19) VCF-style: chr4-57340300-G-C.
Other names: c.435G>C, p.Glu145Asp (NM_001267722.2); short protein forms E145D.
Identifiers: ClinVar variation 3367297 (VCV003367297.2).